The following is an entry in ClinVar:

NM_001540.5(HSPB1):c.429-3C>T

Gene: HSPB1 (heat shock protein family B (small) member 1; plus strand). Cytogenetic location: 7q11.23.
Variant type: single nucleotide variant.
Coding change: c.429-3C>T on transcript NM_001540.5 (MANE Select); 3 bases into the intron before coding-DNA position 429, C replaced by T.
Molecular consequence: intron variant.
Genome position (GRCh38, 1-based): chr7:76,303,981, C>T. VCF-style: chr7-76303981-C-T. GRCh37 (hg19) VCF-style: chr7-75933298-C-T.
Identifiers: ClinVar variation 1523034 (VCV001523034.8), dbSNP rs1353004501, ClinGen allele CA575786697.

ClinVar aggregate classification (germline): Uncertain significance (1 of 4 stars; one submission).

Conditions:
Charcot-Marie-Tooth disease axonal type 2F (CMT2F). Also called: CHARCOT-MARIE-TOOTH DISEASE, NEURONAL, TYPE 2F; Charcot-Marie-Tooth Neuropathy Type 2F. Identifiers: Orphanet 99940, MedGen C1847823, MONDO:0011687, OMIM 606595.

Allele frequency attached by ClinVar (database versions not stated): gnomAD exomes below 0.00001 and 0.00001.

Submission:

Labcorp Genetics (formerly Invitae), Labcorp
Classification: Uncertain significance for Charcot-Marie-Tooth disease axonal type 2F. Last evaluated: 2021-04-06. Review status: criteria provided, single submitter. Criteria: Invitae Variant Classification Sherloc (09022015). Collection method: clinical testing. Allele origin: germline.
Comment: In summary, the available evidence is currently insufficient to determine the role of this variant in disease. Therefore, it has been classified as a Variant of Uncertain Significance. Nucleotide substitutions within the consensus splice site are a relatively common cause of aberrant splicing (PMID: 17576681, 9536098). Algorithms developed to predict the effect of sequence changes on RNA splicing suggest that this variant is not likely to affect RNA splicing, but this prediction has not been confirmed by published transcriptional studies. This variant has been observed in individual(s) with clinical features of HSPB1-related conditions (Invitae). This variant is not present in population databases (ExAC no frequency). This sequence change falls in intron 2 of the HSPB1 gene. It does not directly change the encoded amino acid sequence of the HSPB1 protein. It affects a nucleotide within the consensus splice site of the intron.

Literature cited by the submitters: PubMed 17576681; PubMed 9536098.